The following is an entry in ClinVar:

NM_004360.5(CDH1):c.2412C>T (p.Pro804=)

Gene: CDH1 (cadherin 1; plus strand). Cytogenetic location: 16q22.1.
Variant type: single nucleotide variant.
Coding change: c.2412C>T on transcript NM_004360.5 (MANE Select); coding-DNA position 2412, C replaced by T.
Protein change: p.Pro804=; no amino-acid change (proline 804 retained).
Molecular consequence: synonymous variant.
Genome position (GRCh38, 1-based): chr16:68,829,770, C>T. VCF-style: chr16-68829770-C-T. GRCh37 (hg19) VCF-style: chr16-68863673-C-T.
Other names: c.2412C>T (LRG_301t1); c.2229C>T, p.Pro743= (NM_001317184.2); c.864C>T, p.Pro288= (NM_001317185.2); c.447C>T, p.Pro149= (NM_001317186.2).
Identifiers: ClinVar variation 183811 (VCV000183811.61), dbSNP rs202075199, ClinGen allele CA186575.

ClinVar aggregate classification (germline): Conflicting classifications of pathogenicity. Review status: criteria provided, conflicting classifications (1 of 4 stars). 15 submissions from 15 submitters: Uncertain significance (1); Benign (5); Likely benign (8). 1 of the submissions does not count toward it. Last evaluated 2026-09-01.

Conditions:
CDH1-related disorder. Also called: CDH1-related condition.
CDH1-related diffuse gastric and lobular breast cancer syndrome. Also called: CDH1-related diffuse gastric and lobular breast cancer. Identifiers: MedGen CN311521, MONDO:0100488.
Hereditary cancer-predisposing syndrome. Also called: Hereditary neoplastic syndrome; Tumor predisposition; Neoplastic Syndromes, Hereditary; Hereditary Cancer Syndrome. Identifiers: Orphanet 140162, MedGen C0027672, MeSH D009386, MONDO:0015356.
Hereditary diffuse gastric adenocarcinoma (HDGC). Also called: DIFFUSE GASTRIC AND LOBULAR BREAST CANCER SYNDROME. Identifiers: Orphanet 26106, MedGen C1708349, MONDO:0007648, OMIM 137215.

Allele frequency attached by ClinVar (database versions not stated): ExAC 0.00008; gnomAD exomes 0.00009; gnomAD 0.00018 and 0.00023; TOPMed 0.00032; 1000 Genomes Project 0.00120; 1000 Genomes Project 30x 0.00156.
gnomAD v4.1: 127 of 1,613,942 alleles (0.0079%); highest among the groups gnomAD compares: Admixed American, 0.053%; no homozygotes.

Submissions (15):

CeGaT Center for Human Genetics Tuebingen
Classification: Likely benign. Last evaluated: 2026-09-01. Review status: criteria provided, single submitter. Criteria: CeGaT Center For Human Genetics Tuebingen Variant Classification Criteria Version 2. Collection method: clinical testing. Allele origin: germline. Affected: yes. Observed: 4 variant alleles.
Comment: CDH1: BP4, BP7

Labcorp Genetics (formerly Invitae), Labcorp
Classification: Likely benign for Hereditary diffuse gastric adenocarcinoma. Last evaluated: 2026-01-31. Review status: criteria provided, single submitter. Criteria: Invitae Variant Classification Sherloc (09022015). Collection method: clinical testing. Allele origin: germline.

Quest Diagnostics Nichols Institute San Juan Capistrano
Classification: Benign. Last evaluated: 2025-04-15. Review status: criteria provided, single submitter. Criteria: Quest Diagnostics criteria. Collection method: clinical testing. Allele origin: unknown.

Center for Genomic Medicine, Rigshospitalet, Copenhagen University Hospital
Classification: Likely benign. Last evaluated: 2025-03-04. Review status: criteria provided, single submitter. Criteria: ACMG Guidelines, 2015. Collection method: clinical testing. Allele origin: germline.

Myriad Genetics, Inc.
Classification: Benign for Hereditary diffuse gastric adenocarcinoma. Last evaluated: 2024-09-23. Review status: criteria provided, single submitter. Criteria: Myriad Autosomal Dominant, Autosomal Recessive and X-Linked Classification Criteria (2023). Collection method: clinical testing. Allele origin: unknown.
Comment: This variant is considered benign. This variant is a silent/synonymous amino acid change and it is not expected to impact splicing.

Institute for Biomarker Research, Medical Diagnostic Laboratories, L.L.C.
Classification: Benign for Hereditary cancer-predisposing syndrome. Last evaluated: 2022-12-23. Review status: criteria provided, single submitter. Criteria: ACMG Guidelines, 2015. Collection method: clinical testing. Allele origin: germline.

European Reference Network on Genetic Tumour Risk Syndromes (ERN-GENTURIS), i3s - Instituto de Investigação e Inovação em Saúde, University of Porto
Classification: Uncertain significance for Hereditary diffuse gastric adenocarcinoma. Last evaluated: 2022-08-01. Review status: criteria provided, single submitter. Criteria: Lee et al. (Hum Mutat. 2018). Collection method: clinical testing. Allele origin: germline. Inheritance: Autosomal dominant inheritance. Affected: no. Study: ERN GENTURIS.
Comment: BP7 (PMID: 30311375)

Blueprint Genetics
Classification: Likely benign. Last evaluated: 2021-09-18. Review status: criteria provided, single submitter. Criteria: ACMG Guidelines, 2015. Collection method: clinical testing. Allele origin: germline.

Sema4
Classification: Benign for Hereditary cancer-predisposing syndrome. Last evaluated: 2021-02-05. Review status: criteria provided, single submitter. Criteria: Sema4 Curation Guidelines. Collection method: curation. Allele origin: germline.

Department of Pathology and Laboratory Medicine, Sinai Health System
Classification: Likely benign for CDH1-related diffuse gastric and lobular breast cancer syndrome. Last evaluated: 2020-01-02. Review status: criteria provided, single submitter. Criteria: ACMG Guidelines, 2015. Collection method: clinical testing. Allele origin: germline. Affected: no.

ARUP Laboratories, Molecular Genetics and Genomics, ARUP Laboratories
Classification: Likely benign. Last evaluated: 2018-02-07. Review status: criteria provided, single submitter. Criteria: ARUP Molecular Germline Variant Investigation Process. Collection method: clinical testing. Allele origin: germline.
Comment: The CDH1 c.2412C>T; p.Pro804Pro variant (rs202075199), to our knowledge, is not reported in the medical literature but is classified as benign or likely benign in ClinVar (Variation ID: 183811). This variant is found in the general population with an overall allele frequency of 0.008% (21/277046 alleles) in the Genome Aggregation Database. This is a synonymous change, the nucleotide is not conserved, and computational algorithms do not predict this variant to impact splicing (Alamut v.2.10). Based on available information, this variant is considered likely benign.

GeneDx
Classification: Benign. Last evaluated: 2015-08-04. Review status: criteria provided, single submitter. Criteria: GeneDx Variant Classification (06012015). Collection method: clinical testing. Allele origin: germline. Affected: yes.
Comment: This variant is considered likely benign or benign based on one or more of the following criteria: it is a conservative change, it occurs at a poorly conserved position in the protein, it is predicted to be benign by multiple in silico algorithms, and/or has population frequency not consistent with disease.

Color Diagnostics, LLC DBA Color Health
Classification: Likely benign for Hereditary cancer-predisposing syndrome. Last evaluated: 2015-07-20. Review status: criteria provided, single submitter. Criteria: ACMG Guidelines, 2015. Collection method: clinical testing. Allele origin: germline.

Ambry Genetics
Classification: Likely benign for Hereditary cancer-predisposing syndrome. Last evaluated: 2014-08-29. Review status: criteria provided, single submitter. Criteria: Ambry Variant Classification Scheme 2023. Collection method: clinical testing. Allele origin: germline.

PreventionGenetics, part of Exact Sciences
Classification: Likely benign for CDH1-related condition. Last evaluated: 2019-04-09. Review status: no assertion criteria provided. Collection method: clinical testing. Allele origin: germline. Not counted in ClinVar's aggregate classification.
Comment: This variant is classified as likely benign based on ACMG/AMP sequence variant interpretation guidelines (Richards et al. 2015 PMID: 25741868, with internal and published modifications).

Literature cited by the submitters: PubMed 36436516 (cited by Quest Diagnostics Nichols Institute San Juan Capistrano and European Reference Network on Genetic Tumour Risk Syndromes (ERN-GENTURIS), i3s - Instituto de Investigação e Inovação em Saúde, University of Porto).